The following is an entry in ClinVar:

NM_001160148.2(DDHD1):c.700G>T (p.Ala234Ser)

Gene: DDHD1 (DDHD domain containing 1; minus strand). Cytogenetic location: 14q22.1.
Variant type: single nucleotide variant.
Coding change: c.700G>T on transcript NM_001160148.2 (MANE Select); coding-DNA position 700, G replaced by T.
Protein change: p.Ala234Ser; replaces alanine 234 with serine.
Molecular consequence: missense variant.
Genome position (GRCh38, 1-based): chr14:53,152,399, C>A on the plus strand (G>T on the coding strand, the complement: DDHD1 is on the minus strand). VCF-style: chr14-53152399-C-A. GRCh37 (hg19) VCF-style: chr14-53619117-C-A.
Other names: c.700G>T, p.Ala234Ser (NM_001160147.2, NM_030637.3); short protein forms A234S.
Identifiers: ClinVar variation 1397763 (VCV001397763.4), dbSNP rs200233648, ClinGen allele CA389779815.

ClinVar aggregate classification (germline): Uncertain significance (1 of 4 stars; one submission).

Conditions:
Hereditary spastic paraplegia 28. Also called: Spastic paraplegia 28, autosomal recessive. Identifiers: Orphanet 101008, MedGen C1836295, MONDO:0012256, OMIM 609340.

gnomAD v4.1: 6 of 1,613,932 alleles (0.00037%); highest among the groups gnomAD compares: Admixed American, 0.0017%; no homozygotes.

Submission:

Labcorp Genetics (formerly Invitae), Labcorp
Classification: Uncertain significance for Hereditary spastic paraplegia 28. Last evaluated: 2021-11-01. Review status: criteria provided, single submitter. Criteria: Invitae Variant Classification Sherloc (09022015). Collection method: clinical testing. Allele origin: germline.
Comment: This variant is present in population databases (no rsID available, gnomAD 0.0009%). This sequence change replaces alanine, which is neutral and non-polar, with serine, which is neutral and polar, at codon 234 of the DDHD1 protein (p.Ala234Ser). This variant has not been reported in the literature in individuals affected with DDHD1-related conditions. In summary, the available evidence is currently insufficient to determine the role of this variant in disease. Therefore, it has been classified as a Variant of Uncertain Significance. Algorithms developed to predict the effect of missense changes on protein structure and function (SIFT, PolyPhen-2, Align-GVGD) all suggest that this variant is likely to be tolerated.